The following is an entry in ClinVar:

NM_005267.5(GJA8):c.136G>A (p.Gly46Arg)

Gene: GJA8 (gap junction protein alpha 8; plus strand). Cytogenetic location: 1q21.2.
Variant type: single nucleotide variant.
Coding change: c.136G>A on transcript NM_005267.5 (MANE Select); coding-DNA position 136, G replaced by A.
Protein change: p.Gly46Arg; replaces glycine 46 with arginine.
Molecular consequence: missense variant.
Genome position (GRCh38, 1-based): chr1:147,908,091, G>A. VCF-style: chr1-147908091-G-A. GRCh37 (hg19) VCF-style: chr1-147380218-G-A.
Other names: short protein forms G46R.
Identifiers: ClinVar variation 521584 (VCV000521584.13), dbSNP rs1553242554, ClinGen allele CA342223267.
Genomic context (GRCh38, chr1:147,908,091, plus strand): 5'-CTCACCGTGCTTTTCATCTTCCGGATCCTCATCCTTGGCACGGCCGCAGAGTTCGTGTGG[G>A]GGGATGAGCAATCCGACTTCGTGTGCAACACCCAGCAGCCTGGCTGCGAGAACGTCTGCT-3'
Protein context (NP_005258.2, residues 36-56): ILGTAAEFVW[Gly46Arg]DEQSDFVCNT

ClinVar aggregate classification (germline): Conflicting classifications of pathogenicity. Review status: criteria provided, conflicting classifications (1 of 4 stars). 3 submissions from 3 submitters: Pathogenic (1); Likely pathogenic (1); Uncertain significance (1). Last evaluated 2023-01-21.

Conditions:
Inborn genetic diseases. Identifiers: MedGen C0950123, MeSH D030342.
Cataract 1 multiple types. Also called: CATARACT, DUFFY-LINKED; CATARACT 1, MULTIPLE TYPES, WITH OR WITHOUT MICROCORNEA; CATARACT 1, NUCLEAR PROGRESSIVE; CATARACT 1 WITH MICROCORNEA; CATARACT 1, POSTERIOR SUBCAPSULAR, WITH MICROCORNEA; CATARACT 1, STELLATE NUCLEAR, WITH MICROCORNEA. Identifiers: Orphanet 1377, MedGen C1861828, MONDO:0007285, OMIM 116200.

Submissions (3):

Dept. Genetics and Cancer, Menzies Institute for Medical Research, University of Tasmania
Classification: Uncertain significance for Cataract 1 multiple types. Last evaluated: 2023-01-21. Review status: criteria provided, single submitter. Criteria: ACMG Guidelines, 2015. Collection method: curation. Allele origin: germline. Affected: yes.
Comment: Variant identified and curated during a GJA8 specific review of the literature in relation to pediatric or congenital cataract. ACMG-AMP criteria applied: PS4(Supporting), PM1(Supporting), PM2(Supporting), PP3. Original variant report: PMID:21686328;32883240. The cataract phenotype reported for this variant is: Total. Additional phenotype/s reported in these individual/s are: Microcornea and Microphthalmia. Gene review and curation guidelines are outlined in: DOI 10.1080/17469899.2023.2160320

Labcorp Genetics (formerly Invitae), Labcorp
Classification: Pathogenic for Cataract 1 multiple types. Last evaluated: 2022-11-29. Review status: criteria provided, single submitter. Criteria: Invitae Variant Classification Sherloc (09022015). Collection method: clinical testing. Allele origin: germline.
Comment: This missense change has been observed in individuals with autosomal dominant congenital cataracts (PMID: 21686328; Invitae). This sequence change replaces glycine, which is neutral and non-polar, with arginine, which is basic and polar, at codon 46 of the GJA8 protein (p.Gly46Arg). This variant is not present in population databases (gnomAD no frequency). ClinVar contains an entry for this variant (Variation ID: 521584). Advanced modeling of protein sequence and biophysical properties (such as structural, functional, and spatial information, amino acid conservation, physicochemical variation, residue mobility, and thermodynamic stability) performed at Invitae indicates that this missense variant is expected to disrupt GJA8 protein function. This variant disrupts the p.Gly46 amino acid residue in GJA8. Other variant(s) that disrupt this residue have been observed in individuals with GJA8-related conditions (PMID: 19684000; Invitae), which suggests that this may be a clinically significant amino acid residue. For these reasons, this variant has been classified as Pathogenic.

Ambry Genetics
Classification: Likely pathogenic for Inborn genetic diseases. Last evaluated: 2017-03-17. Review status: criteria provided, single submitter. Criteria: Ambry exome assertion method (8-5-2015). Collection method: clinical testing. Allele origin: germline. Affected: yes. Observed: 1 variant allele.

Literature cited by the submitters: PubMed 21686328 (cited by Dept. Genetics and Cancer, Menzies Institute for Medical Research, University of Tasmania and Labcorp Genetics (formerly Invitae), Labcorp); PubMed 32883240 (cited by Dept. Genetics and Cancer, Menzies Institute for Medical Research, University of Tasmania); PubMed 19684000 (cited by Labcorp Genetics (formerly Invitae), Labcorp).